The following is an entry in ClinVar:

ClinVar aggregate classification (germline): Likely pathogenic. Review status: criteria provided, single submitter (1 of 4 stars). 2 submissions from 2 submitters: Likely pathogenic (1). 1 of the submissions does not count toward it. Last evaluated 2024-07-05.

Conditions:
Neuropathy, congenital hypomyelinating, 3. Identifiers: MedGen C4748608, MONDO:0020766, OMIM 618186.

Allele frequency attached by ClinVar (database versions not stated): gnomAD exomes below 0.00001; gnomAD 0.00001; ExAC 0.00002; TOPMed 0.00001.

Submissions (2):

Women's Health and Genetics/Laboratory Corporation of America, LabCorp
Classification: Likely pathogenic for Neuropathy, congenital hypomyelinating, 3. Last evaluated: 2024-07-05. Review status: criteria provided, single submitter. Criteria: LabCorp Variant Classification Summary - May 2015. Collection method: clinical testing. Allele origin: germline.
Comment: Variant summary: CNTNAP1 c.967T>C (p.Cys323Arg) results in a non-conservative amino acid change located in the Laminin G domain (SM00282) of the encoded protein sequence. Five of five in-silico tools predict a damaging effect of the variant on protein function. The variant allele was found at a frequency of 4e-06 in 251126 control chromosomes. c.967T>C has been reported in the literature as compound heterozygous genotype in individuals affected with Neuropathy, Congenital Hypomyelinating, 3 and in one family, this variant has been shown to segregate with disease (Vanderver_2016, Conant_2018, Nizon_2016, Vallat_2016). These data indicate that the variant may be associated with disease. At least one publication reports experimental evidence evaluating an impact on protein function. The most pronounced variant effect results in nearly undetectable levels of mutant protein in the paranodes, reduced surface expression and stability, and retained in the neuronal soma in mouse model harboring this variant. Furthermore, the mutant mice shows weight loss, reduced nerve conduction, and progressive motor dysfunction, mimicking the clinical features of CNTNAP1-associated leukodystrophy (Chang_2023). The following publications have been ascertained in the context of this evaluation (PMID: 37862170, 29882456, 27782105, 27818385, 27159321). ClinVar contains an entry for this variant (Variation ID: 242386). Based on the evidence outlined above, the variant was classified as likely pathogenic.

OMIM
Classification: Pathogenic for NEUROPATHY, CONGENITAL HYPOMYELINATING, 3. Last evaluated: 2018-11-28. Review status: no assertion criteria provided. Collection method: literature only. Allele origin: germline. Not counted in ClinVar's aggregate classification.

Literature cited by the submitters: PubMed 27159321 (cited by Women's Health and Genetics/Laboratory Corporation of America, LabCorp); PubMed 34570182 (cited by Women's Health and Genetics/Laboratory Corporation of America, LabCorp); PubMed 37862170 (cited by Women's Health and Genetics/Laboratory Corporation of America, LabCorp); PubMed 29882456 (cited by Women's Health and Genetics/Laboratory Corporation of America, LabCorp); PubMed 33148880 (cited by Women's Health and Genetics/Laboratory Corporation of America, LabCorp); PubMed 27782105 (cited by Women's Health and Genetics/Laboratory Corporation of America, LabCorp and OMIM); PubMed 27818385 (cited by Women's Health and Genetics/Laboratory Corporation of America, LabCorp and OMIM).

NM_003632.3(CNTNAP1):c.967T>C (p.Cys323Arg)

Gene: CNTNAP1 (contactin associated protein 1; plus strand). Cytogenetic location: 17q21.2.
Variant type: single nucleotide variant.
Coding change: c.967T>C on transcript NM_003632.3 (MANE Select); coding-DNA position 967, T replaced by C.
Protein change: p.Cys323Arg; replaces cysteine 323 with arginine.
Molecular consequence: missense variant.
Genome position (GRCh38, 1-based): chr17:42,686,969, T>C. VCF-style: chr17-42686969-T-C. GRCh37 (hg19) VCF-style: chr17-40838987-T-C.
Other names: CNTNAP1, CYS323ARG (rs768554986); short protein forms C323R.
Identifiers: ClinVar variation 242386 (VCV000242386.3), dbSNP rs768554986, ClinGen allele CA8581660.
Genomic context (GRCh38, chr17:42,686,969, plus strand): 5'-ATCGGAGGTCTGGTGGGCGCCGCGCGGAAGAACCTGGCCTATCGGCATAACTTCCGCGGC[T>C]GCATAGAAAACGTAATCTTCAACCGCGTCAACATCGCAGACCTGGCCGTGCGGCGCCATT-3'
Protein context (NP_003623.1, residues 313-333): NLAYRHNFRG[Cys323Arg]IENVIFNRVN